The following is an entry in ClinVar:

NM_000545.8(HNF1A):c.427del (p.His143fs)

Gene: HNF1A (HNF1 homeobox A; plus strand). Cytogenetic location: 12q24.31.
Variant type: Deletion.
Coding change: c.427del on transcript NM_000545.8 (MANE Select); coding-DNA position 427, one base deleted (C; older notation c.427delC).
Protein change: p.His143fs; shifts the reading frame from histidine 143.
Molecular consequence: frameshift variant.
Genome position (GRCh38, 1-based): chr12:120,988,933, C deleted; the last of 3 consecutive C bases (chr12:120,988,931-120,988,933); deleting any one gives the same sequence. VCF-style (leftmost placement, unchanged base first): chr12-120988930-TC-T. GRCh37 (hg19) VCF-style: chr12-121426733-TC-T.
Other names: NM_001306179.2:c.427del; c.427del, p.His143fs (NM_001306179.2); short protein forms H143fs.
Identifiers: ClinVar variation 1327607 (VCV001327607.3), dbSNP rs2135832675, ClinGen allele CA2023554331.

ClinVar aggregate classification (germline): Likely pathogenic (3 of 4 stars; one submission).

Conditions:
Monogenic diabetes. Identifiers: Orphanet 183625, MedGen C3888631, MONDO:0015967.

Submission:

ClinGen Monogenic Diabetes Variant Curation Expert Panel
Classification: Likely pathogenic for Monogenic diabetes. Last evaluated: 2021-10-29. Review status: reviewed by expert panel. Criteria: ClinGen Diabetes ACMG Specifications v1 1. Collection method: curation. Allele origin: germline. Inheritance: Autosomal dominant inheritance.
Comment: The c.427del variant in the HNF1 homeobox A gene, HNF1A, causes a frameshift in the protein at codon 143 (NM_000545.8), adding 12 novel amino acids before encountering a stop codon (p.(His143ThrfsTer12)). This variant, located in biologically-relevant exon 2 of 10, is predicted to lead to nonsense mediated decay in a gene in which loss-of-function is an established disease mechanism (PVS1; PMID: 23348805). Additionally, this variant is absent in gnomAD v2.1.1 (PM2_Supporting). This variant was identified in an individual with a clinical history suggestive of HNF1A-MODY (MODY probability calculator result >50%); however, HNF4A was not tested (PMID 18003757, internal lab contributor). Additionally, PS4_Moderate cannot be applied because this number is below the ClinGen MDEP threshold (PMID 18003757). In summary, this evidence supports the classification of this variant as likely pathogenic for monogenic diabetes. ACMG/AMP criteria applied, as specified by the ClinGen MDEP VCEP (specification version 1.0, approved 8/24/21): PVS1, PM2_Supporting.